The following continues an entry in ClinVar:

NM_001042492.3(NF1):c.574C>T (p.Arg192Ter)

Gene: NF1. ClinVar aggregate classification (germline): Pathogenic. Pathogenic (33). ClinVar aggregate classification (somatic clinical impact): Tier I - Strong.

Submissions 12 to 33 of 39:

Victorian Clinical Genetics Services, Murdoch Childrens Research Institute
Classification: Pathogenic for Neurofibromatosis, type 1. Last evaluated: 2025-02-07. Review status: criteria provided, single submitter. Criteria: ACMG Guidelines, 2015. Collection method: clinical testing. Allele origin: germline. Affected: yes.
Comment: This variant is classified as Pathogenic. Evidence in support of pathogenic classification: Variant is predicted to cause nonsense-mediated decay (NMD) and loss of protein (premature termination codon is located at least 54 nucleotides upstream of the final exon-exon junction); Variant is present in gnomAD (v3) <0.001 for a dominant condition (2 heterozygotes, 0 homozygotes); This variant has strong previous evidence of pathogenicity in unrelated individuals. It has been classified as pathogenic by multiple clinical laboratories (ClinVar). It has also been reported in multiple individuals with neurofibromatosis type 1 (PMID: 27838393); Other NMD variants comparable to the one identified in this case have very strong previous evidence for pathogenicity (ClinVar, DECIPHER). Additional information: This variant is heterozygous; This gene is associated with autosomal dominant disease; Loss of function is a known mechanism of disease in this gene and is associated with neurofibromatosis, type 1 (MONDO:0018975); Variants in this gene are known to have variable expressivity. Disease manifestation can be extremely variable, even within a family (PMID: 20301288); Parental origin of the variant is unresolved.

Molecular Pathology, Peter Maccallum Cancer Centre
Classification: Pathogenic for Neurofibromatosis, type 1. Last evaluated: 2024-12-14. Review status: criteria provided, single submitter. Criteria: ACMG Guidelines, 2015. Collection method: clinical testing. Allele origin: germline. Inheritance: Autosomal dominant inheritance.

NHS Central & South Genomic Laboratory Hub
Classification: Pathogenic for Neurofibromatosis type 1. Last evaluated: 2024-11-11. Review status: criteria provided, single submitter. Criteria: ACMG Guidelines, 2015. Collection method: clinical testing. Allele origin: germline. Affected: yes.

Dubai Health Genomic Medicine Center, Dubai Health
Classification: Pathogenic for Watson syndrome. Last evaluated: 2024-10-04. Review status: criteria provided, single submitter. Criteria: ACMG Guidelines, 2015. Collection method: research. Allele origin: germline. Affected: yes.
Comment: PVS1,PS4,PM2,PM6

Fulgent Genetics
Classification: Pathogenic for Neurofibromatosis, type 1; Neurofibromatosis, familial spinal; Café-au-lait macules with pulmonary stenosis; Neurofibromatosis-Noonan syndrome; Juvenile myelomonocytic leukemia. Last evaluated: 2024-03-09. Review status: criteria provided, single submitter. Criteria: ACMG Guidelines, 2015. Collection method: clinical testing. Allele origin: germline.

Baylor Genetics
Classification: Pathogenic for Juvenile myelomonocytic leukemia. Last evaluated: 2023-12-07. Review status: criteria provided, single submitter. Criteria: ACMG Guidelines, 2015. Collection method: clinical testing. Allele origin: unknown.

Neuberg Centre For Genomic Medicine, NCGM
Classification: Pathogenic for Neurofibromatosis, type 1. Last evaluated: 2023-05-20. Review status: criteria provided, single submitter. Criteria: ACMG Guidelines, 2015. Collection method: clinical testing. Allele origin: germline. Inheritance: Autosomal dominant inheritance. Affected: yes.
Comment: The stop gained c.574C>T (p.Arg192Ter) variant in the NF1 gene has been reported previously in has been observed in individual(s) with neurofibromatosis type 1 (Toliat, M R et al.,2000). This variant is reported with the allele frequency (0.0003%) in the gnomAD Exome. It is submitted to ClinVar as Pathogenic (multiple submissions). Computational evidence (MutationTaster - Disease causing) predicts damaging effect on protein structure and function for this variant. This variant is predicted to cause loss of normal protein function through protein truncation. The nucleotide change c.574C>T in NF1 is predicted as conserved by GERP++ and PhyloP across 100 vertebrates. Loss of function variants have been previously reported to be disease causing. For these reasons, this variant has been classified as Pathogenic.

Blueprint Genetics
Classification: Pathogenic for NF1-related disorders. Last evaluated: 2023-03-22. Review status: criteria provided, single submitter. Criteria: ACMG Guidelines, 2015. Collection method: clinical testing. Allele origin: germline. Affected: yes. Observed: 5 variant alleles.

Centre of Medical Genetics, University Hospital Muenster
Classification: Pathogenic. Last evaluated: 2023-03-01. Review status: criteria provided, single submitter. Criteria: ACMG Guidelines, 2015. Collection method: clinical testing. Allele origin: unknown. Affected: yes. Observed: 1 variant allele, 1 heterozygote.
Comment: ACMG categories: PVS1,PM1,PP5

Institute for Genomic Medicine (IGM) Clinical Laboratory, Nationwide Children's Hospital
Classification: Tier I - Strong for Diffuse midline glioma, H3 K27M-mutant. Assertion type: diagnostic. Clinical significance: supports diagnosis. Last evaluated: 2022-11-09. Review status: criteria provided, single submitter. Criteria: AMP/ASCO/CAP Guidelines, 2017. Collection method: clinical testing. Allele origin: somatic. Affected: yes.
Comment: Variant has Tier I (strong) clinical significance as a diagnostic inclusion criterion in diffuse midline glioma, H3 K27M-mutant, based on the following evidence: 1) Documented in one or more cancer databases (e.g., St. Jude Pecan, COSMIC, CIViC, OncoKB). 2) Diagnostic for a specific tumor type/classification based on well-powered studies with expert-level consensus (Evidence Level B; PMIDs: 24705251, 28966033, 33433639, 34796414, 32862234, 34759345, 32582540, 35456430).

MGZ Medical Genetics Center
Classification: Pathogenic for Neurofibromatosis, type 1. Last evaluated: 2022-09-06. Review status: criteria provided, single submitter. Criteria: ACMG Guidelines, 2015. Collection method: clinical testing. Allele origin: germline. Affected: yes. Observed: 1 variant allele.
Comment: ACMG criteria applied: PVS1, PS4_MOD, PM2_SUP

Institute of Medical Genetics, University of Zurich
Classification: Pathogenic for Neurofibromatosis, type 1. Last evaluated: 2022-05-15. Review status: criteria provided, single submitter. Criteria: ACMG Guidelines, 2015. Collection method: clinical testing. Allele origin: unknown. Affected: yes.

GeneDx
Classification: Pathogenic. Last evaluated: 2022-03-28. Review status: criteria provided, single submitter. Criteria: GeneDx Variant Classification Process June 2021. Collection method: clinical testing. Allele origin: germline. Affected: yes.
Comment: Nonsense variant predicted to result in protein truncation or nonsense mediated decay in a gene for which loss-of-function is a known mechanism of disease; This variant is associated with the following publications: (PMID: 10726756, 15846561, 19142971, 17353900, 17406642, 10712197, 10862084, 12095621, 15146469, 27625798, 25525159, 26056819, 27838393, 28529006, 31347283, 31717729, 30613976, 32581362, 31370276, 31776437)

Genome-Nilou Lab
Classification: Pathogenic for Neurofibromatosis, type 1. Last evaluated: 2022-03-15. Review status: criteria provided, single submitter. Criteria: ACMG Guidelines, 2015. Collection method: clinical testing. Allele origin: germline. Affected: no.

Greenwood Genetic Center Diagnostic Laboratories, Greenwood Genetic Center
Classification: Pathogenic for Neurofibromatosis, type 1. Last evaluated: 2021-12-09. Review status: criteria provided, single submitter. Criteria: ACMG Guidelines, 2015. Collection method: clinical testing. Allele origin: germline. Affected: yes.
Comment: PVS1, PS4, PP1, PM2_Supporting, PM6

Athena Diagnostics
Classification: Pathogenic. Last evaluated: 2021-04-19. Review status: criteria provided, single submitter. Criteria: Athena Diagnostics criteria. Collection method: clinical testing. Allele origin: unknown.
Comment: This variant is expected to result in the loss of a functional protein. The frequency of this variant in the general population is consistent with pathogenicity. This variant has been identified in multiple unrelated individuals with clinical features associated with this gene.

Quest Diagnostics Nichols Institute San Juan Capistrano
Classification: Pathogenic. Last evaluated: 2021-04-19. Review status: criteria provided, single submitter. Criteria: Quest Diagnostics criteria. Collection method: clinical testing. Allele origin: unknown.
Comment: The NF1 c.574C>T (p.Arg192*) variant causes the premature termination of NF1 protein synthesis. This variant has been reported in the published literature in multiple individuals and families with NF1 in the published literature (PMID: 27838393 (2017), 26056819 (2015), 21278392 (2011), 19142971 (2009), 17406642 (2007), 16835897 (2006), 15146469 (2004), 10862084 (2000), 10726756 (2000), 10712197 (2000)). The frequency of this variant in the general population, 0.000004 (1/250636 chromosomes (Genome Aggregation Database)), is consistent with pathogenicity. Based on the available information, this variant is classified as pathogenic.

Genome Diagnostics Laboratory, The Hospital for Sick Children
Classification: Pathogenic for Neurofibromatosis, type 1. Last evaluated: 2020-10-26. Review status: criteria provided, single submitter. Criteria: ACMG Guidelines, 2015. Collection method: clinical testing. Allele origin: germline. Affected: yes.

Medical Genetics, University of Parma
Classification: Pathogenic for Neurofibromatosis, type 1. Last evaluated: 2019-12-20. Review status: criteria provided, single submitter. Criteria: ACMG Guidelines, 2015. Collection method: clinical testing. Allele origin: germline. Affected: yes.

Centre for Mendelian Genomics, University Medical Centre Ljubljana
Classification: Pathogenic for Axillary freckling; Focal T2 hyperintense basal ganglia lesion; Cafe au lait spots, multiple. Last evaluated: 2017-01-01. Review status: criteria provided, single submitter. Criteria: ACMG Guidelines, 2015. Collection method: clinical testing. Allele origin: unknown. Affected: yes.

Center for Human Genetics, Inc
Classification: Pathogenic for Neurofibromatosis, type 1. Last evaluated: 2016-11-01. Review status: criteria provided, single submitter. Criteria: ACMG Guidelines, 2015. Collection method: clinical testing. Allele origin: germline. Affected: yes.

Institute for Genomic Statistics and Bioinformatics, University Hospital Bonn
Classification: Pathogenic for Neurofibromatosis, type 1. Review status: criteria provided, single submitter. Criteria: ACMG Guidelines, 2015. Collection method: clinical testing. Allele origin: unknown. Affected: yes. Observed: 1 variant allele.